The following is an entry in ClinVar:

NM_001903.5(CTNNA1):c.494G>A (p.Arg165Lys)

Gene: CTNNA1 (catenin alpha 1; plus strand). Cytogenetic location: 5q31.2.
Variant type: single nucleotide variant.
Coding change: c.494G>A on transcript NM_001903.5 (MANE Select); coding-DNA position 494, G replaced by A.
Protein change: p.Arg165Lys; replaces arginine 165 with lysine.
Molecular consequence: missense variant.
Genome position (GRCh38, 1-based): chr5:138,812,208, G>A. VCF-style: chr5-138812208-G-A. GRCh37 (hg19) VCF-style: chr5-138147897-G-A.
Other names: c.494G>A, p.Arg165Lys (NM_001290307.3, NM_001323982.2, NM_001323983.1 and 3 more transcripts); c.185G>A, p.Arg62Lys (NM_001290309.3); c.125G>A, p.Arg42Lys (NM_001290310.3); short protein forms R62K, R165K, R42K.
Identifiers: ClinVar variation 2814177 (VCV002814177.3), dbSNP rs2532348419, ClinGen allele CA361125034.

ClinVar aggregate classification (germline): Uncertain significance (1 of 4 stars; one submission).

Allele frequency attached by ClinVar (database versions not stated): gnomAD exomes below 0.00001.
gnomAD v4.1: 1 of 1,613,698 alleles (0.000062%); highest among the groups gnomAD compares: Non-Finnish European, 0.000085%; no homozygotes.

Submission:

Labcorp Genetics (formerly Invitae), Labcorp
Classification: Uncertain significance. Last evaluated: 2022-11-29. Review status: criteria provided, single submitter. Criteria: Invitae Variant Classification Sherloc (09022015). Collection method: clinical testing. Allele origin: germline.
Comment: This sequence change replaces arginine, which is basic and polar, with lysine, which is basic and polar, at codon 165 of the CTNNA1 protein (p.Arg165Lys). In summary, the available evidence is currently insufficient to determine the role of this variant in disease. Therefore, it has been classified as a Variant of Uncertain Significance. Algorithms developed to predict the effect of missense changes on protein structure and function are either unavailable or do not agree on the potential impact of this missense change (SIFT: "Deleterious"; PolyPhen-2: "Benign"; Align-GVGD: "Class C0"). This variant has not been reported in the literature in individuals affected with CTNNA1-related conditions. This variant is not present in population databases (gnomAD no frequency).